The following is an entry in ClinVar:

NM_000548.5(TSC2):c.3833T>C (p.Leu1278Pro)

Gene: TSC2 (TSC complex subunit 2; plus strand). Cytogenetic location: 16p13.3.
Variant type: single nucleotide variant.
Coding change: c.3833T>C on transcript NM_000548.5 (MANE Select); coding-DNA position 3833, T replaced by C.
Protein change: p.Leu1278Pro; replaces leucine 1278 with proline.
Molecular consequence: missense variant. On other transcripts: intron variant (6).
Genome position (GRCh38, 1-based): chr16:2,082,454, T>C. VCF-style: chr16-2082454-T-C. GRCh37 (hg19) VCF-style: chr16-2132455-T-C.
Other names: c.3101T>C, p.Leu1034Pro (NM_001318831.2); c.3701T>C, p.Leu1234Pro (NM_001370404.1); c.3704T>C, p.Leu1235Pro (NM_001370405.1, NM_021055.3); c.3814+656T>C (NM_001114382.3); c.3685+656T>C (NM_001363528.2); c.3682+656T>C (NM_001077183.3); c.3574+656T>C (NM_001318827.2); c.3538+656T>C (NM_001318829.2); and 2 more; short protein forms L1235P, L1278P, L1034P, L1234P.
Identifiers: ClinVar variation 1463413 (VCV001463413.9), dbSNP rs568015523, ClinGen allele CA276750892.

ClinVar aggregate classification (germline): Uncertain significance. Review status: criteria provided, multiple submitters, no conflicts (2 of 4 stars). 2 submissions from 2 submitters: Uncertain significance (2). Last evaluated 2026-07-18.

Conditions:
Tuberous sclerosis 2 (TSC2). Identifiers: Orphanet 805, MedGen C1860707, MONDO:0013199, OMIM 613254.
Hereditary cancer-predisposing syndrome. Also called: Hereditary Cancer Syndrome; Tumor predisposition; Neoplastic Syndromes, Hereditary; Hereditary neoplastic syndrome. Identifiers: Orphanet 140162, MedGen C0027672, MeSH D009386, MONDO:0015356.

Allele frequency attached by ClinVar (database versions not stated): gnomAD exomes below 0.00001; 1000 Genomes Project 30x 0.00016; 1000 Genomes Project 0.00020.
gnomAD v4.1: 1 of 1,612,556 alleles (0.000062%); highest among the groups gnomAD compares: African/African-American, 0.0013%; no homozygotes.

Submissions (2):

Ambry Genetics
Classification: Uncertain significance for Hereditary cancer-predisposing syndrome. Last evaluated: 2026-07-18. Review status: criteria provided, single submitter. Criteria: Ambry Variant Classification Scheme 2023. Collection method: clinical testing. Allele origin: germline.
Comment: The p.L1278P variant (also known as c.3833T>C), located in coding exon 31 of the TSC2 gene, results from a T to C substitution at nucleotide position 3833. The leucine at codon 1278 is replaced by proline, an amino acid with similar properties. This amino acid position is conserved. In addition, this alteration is predicted to be deleterious by in silico analysis. Based on the available evidence, the clinical significance of this variant remains unclear.

Labcorp Genetics (formerly Invitae), Labcorp
Classification: Uncertain significance for Tuberous sclerosis 2. Last evaluated: 2024-09-10. Review status: criteria provided, single submitter. Criteria: Invitae Variant Classification Sherloc (09022015). Collection method: clinical testing. Allele origin: germline.
Comment: This sequence change replaces leucine, which is neutral and non-polar, with proline, which is neutral and non-polar, at codon 1278 of the TSC2 protein (p.Leu1278Pro). This variant is not present in population databases (gnomAD no frequency). This variant has not been reported in the literature in individuals affected with TSC2-related conditions. ClinVar contains an entry for this variant (Variation ID: 1463413). Invitae Evidence Modeling of protein sequence and biophysical properties (such as structural, functional, and spatial information, amino acid conservation, physicochemical variation, residue mobility, and thermodynamic stability) indicates that this missense variant is not expected to disrupt TSC2 protein function with a negative predictive value of 95%. In summary, the available evidence is currently insufficient to determine the role of this variant in disease. Therefore, it has been classified as a Variant of Uncertain Significance.